The following is an entry in ClinVar:

NM_000110.4(DPYD):c.1850C>T (p.Thr617Met)

Gene: DPYD (dihydropyrimidine dehydrogenase; minus strand). Cytogenetic location: 1p21.3.
Variant type: single nucleotide variant.
Coding change: c.1850C>T on transcript NM_000110.4 (MANE Select); coding-DNA position 1850, C replaced by T.
Protein change: p.Thr617Met; replaces threonine 617 with methionine.
Molecular consequence: missense variant.
Genome position (GRCh38, 1-based): chr1:97,450,114, G>A on the plus strand (C>T on the coding strand, the complement: DPYD is on the minus strand). VCF-style: chr1-97450114-G-A. GRCh37 (hg19) VCF-style: chr1-97915670-G-A.
Other names: short protein forms T617M.
Identifiers: ClinVar variation 3340231 (VCV003340231.2).

ClinVar aggregate classification (germline): Uncertain significance. Review status: criteria provided, multiple submitters, no conflicts (2 of 4 stars). 2 submissions from 2 submitters: Uncertain significance (2). Last evaluated 2026-01-26.

gnomAD v4.1: 52 of 1,613,790 alleles (0.0032%); highest among the groups gnomAD compares: South Asian, 0.0055%; no homozygotes.

Submissions (2):

Women's Health and Genetics/Laboratory Corporation of America, LabCorp
Classification: Uncertain significance. Last evaluated: 2026-01-26. Review status: criteria provided, single submitter. Criteria: LabCorp Variant Classification Summary - May 2015. Collection method: clinical testing. Allele origin: germline.
Comment: Variant summary: DPYD c.1850C>T (p.Thr617Met) results in a non-conservative amino acid change in the encoded protein sequence. Algorithms developed to predict the effect of missense changes on protein structure and function all suggest that this variant is likely to be disruptive. The variant allele was found at a frequency of 1.6e-05 in 251324 control chromosomes. The available data on variant occurrences in the general population are insufficient to allow any conclusion about variant significance. c.1850C>T has been observed in individual(s) affected with fluoropyrimidine toxicity during chemotherapy due to suspected Dihydropyrimidine Dehydrogenase Deficiency (Del Re_2016). These report(s) do not provide unequivocal conclusions about association of the variant with Dihydropyrimidine Dehydrogenase Deficiency. To our knowledge, no experimental evidence demonstrating an impact on protein function has been reported. The following publication have been ascertained in the context of this evaluation (PMID: 26651493). ClinVar contains an entry for this variant (Variation ID: 3340231). Based on the evidence outlined above, the variant was classified as uncertain significance.

GeneDx
Classification: Uncertain significance. Last evaluated: 2023-06-22. Review status: criteria provided, single submitter. Criteria: GeneDx Variant Classification Process June 2021. Collection method: clinical testing. Allele origin: germline. Affected: yes.
Comment: In silico analysis supports that this missense variant has a deleterious effect on protein structure/function; This variant is associated with the following publications: (PMID: 32529295, 30723313, 26651493)

Literature cited by the submitters: PubMed 26651493 (cited by Women's Health and Genetics/Laboratory Corporation of America, LabCorp).